The following is an entry in ClinVar:

ClinVar aggregate classification (germline): Likely benign. Review status: criteria provided, multiple submitters, no conflicts (2 of 4 stars). 2 submissions from 2 submitters: Likely benign (2). Last evaluated 2025-04-24.

Conditions:
CYP11A1-related disorder. Also called: CYP11A1-related condition.

Allele frequency attached by ClinVar (database versions not stated): TOPMed 0.00001.
gnomAD v4.1: 1 of 1,614,140 alleles (0.000062%); no homozygotes.

Submissions (2):

PreventionGenetics, part of Exact Sciences
Classification: Likely benign for CYP11A1-related condition. Last evaluated: 2025-04-24. Review status: criteria provided, single submitter. Criteria: ACMG Guidelines, 2015. Collection method: clinical testing. Allele origin: germline.
Comment: This variant is classified as likely benign based on ACMG/AMP sequence variant interpretation guidelines (Richards et al. 2015 PMID: 25741868, with internal and published modifications).

Labcorp Genetics (formerly Invitae), Labcorp
Classification: Likely benign. Last evaluated: 2023-01-22. Review status: criteria provided, single submitter. Criteria: Invitae Variant Classification Sherloc (09022015). Collection method: clinical testing. Allele origin: germline.

NM_000781.3(CYP11A1):c.1122C>T (p.Val374=)

Gene: CYP11A1 (cytochrome P450 family 11 subfamily A member 1; minus strand). Cytogenetic location: 15q24.1.
Variant type: single nucleotide variant.
Coding change: c.1122C>T on transcript NM_000781.3 (MANE Select); coding-DNA position 1122, C replaced by T.
Protein change: p.Val374=; no amino-acid change (valine 374 retained).
Molecular consequence: synonymous variant.
Genome position (GRCh38, 1-based): chr15:74,339,622, G>A on the plus strand (C>T on the coding strand, the complement: CYP11A1 is on the minus strand). VCF-style: chr15-74339622-G-A. GRCh37 (hg19) VCF-style: chr15-74631963-G-A.
Other names: c.648C>T, p.Val216= (NM_001099773.2); c.1122C>T (NM_000781.2).
Identifiers: ClinVar variation 2895190 (VCV002895190.4), dbSNP rs895672441, ClinGen allele CA272786888.